The following is an entry in ClinVar:

NM_006929.5(SKIC2):c.3701G>A (p.Arg1234Gln)

Gene: SKIC2 (SKI2 subunit of superkiller complex; plus strand). Cytogenetic location: 6p21.33.
Variant type: single nucleotide variant.
Coding change: c.3701G>A on transcript NM_006929.5 (MANE Select); coding-DNA position 3701, G replaced by A.
Protein change: p.Arg1234Gln; replaces arginine 1234 with glutamine.
Molecular consequence: missense variant.
Genome position (GRCh38, 1-based): chr6:31,969,675, G>A. VCF-style: chr6-31969675-G-A. GRCh37 (hg19) VCF-style: chr6-31937452-G-A.
Other names: short protein forms R1234Q.
Identifiers: ClinVar variation 1439857 (VCV001439857.5), dbSNP rs142540780, ClinGen allele CA3730115.
Genomic context (GRCh38, chr6:31,969,675, plus strand): 5'-CCCGCCTGGTAGGAGAGCCTGTGCTGGGTGCCAAGATGGAGACAGCGGCTACCTTGCTAC[G>A]GCGGGACATCGTATTTGCGGCCAGCCTCTACACCCAGTGAATGCCCCATGTAAAAACATG-3'
Protein context (NP_008860.4, residues 1224-1244): AKMETAATLL[Arg1234Gln]RDIVFAASLY

ClinVar aggregate classification (germline): Uncertain significance (1 of 4 stars; one submission).

Allele frequency attached by ClinVar (database versions not stated): gnomAD exomes 0.00001; ExAC 0.00002; gnomAD 0.00006; TOPMed 0.00006; ESP Exome Variant Server 0.00024.
gnomAD v4.1: 27 of 1,606,774 alleles (0.0017%); highest among the groups gnomAD compares: African/African-American, 0.023%; no homozygotes.

Submission:

Labcorp Genetics (formerly Invitae), Labcorp
Classification: Uncertain significance. Last evaluated: 2022-07-05. Review status: criteria provided, single submitter. Criteria: Invitae Variant Classification Sherloc (09022015). Collection method: clinical testing. Allele origin: germline.
Comment: This sequence change replaces arginine, which is basic and polar, with glutamine, which is neutral and polar, at codon 1234 of the SKIV2L protein (p.Arg1234Gln). This variant is present in population databases (rs142540780, gnomAD 0.03%). This variant has not been reported in the literature in individuals affected with SKIV2L-related conditions. ClinVar contains an entry for this variant (Variation ID: 1439857). Algorithms developed to predict the effect of missense changes on protein structure and function are either unavailable or do not agree on the potential impact of this missense change (SIFT: "Tolerated"; PolyPhen-2: "Possibly Damaging"; Align-GVGD: "Class C0"). Algorithms developed to predict the effect of sequence changes on RNA splicing suggest that this variant may create or strengthen a splice site. In summary, the available evidence is currently insufficient to determine the role of this variant in disease. Therefore, it has been classified as a Variant of Uncertain Significance.